The following is an entry in ClinVar:

ClinVar aggregate classification (germline): Conflicting classifications of pathogenicity. Review status: criteria provided, conflicting classifications (1 of 4 stars). 4 submissions from 4 submitters: Uncertain significance (1); Benign (1); Likely benign (2). Last evaluated 2025-12-13.

Conditions:
Schuurs-Hoeijmakers syndrome. Also called: PACS1-Related Neurodevelopmental Disorder. Identifiers: Orphanet 329224, MedGen C3554343, MONDO:0014006, OMIM 615009.

Allele frequency attached by ClinVar (database versions not stated): gnomAD exomes 0.00003 and 0.00011; gnomAD 0.00009 and 0.00011; TOPMed 0.00009; ExAC 0.00011; 1000 Genomes Project 30x 0.00078; 1000 Genomes Project 0.00080.

Submissions (4):

Labcorp Genetics (formerly Invitae), Labcorp
Classification: Benign for Schuurs-Hoeijmakers syndrome. Last evaluated: 2025-12-13. Review status: criteria provided, single submitter. Criteria: Invitae Variant Classification Sherloc (09022015). Collection method: clinical testing. Allele origin: germline.

Women's Health and Genetics/Laboratory Corporation of America, LabCorp
Classification: Uncertain significance. Last evaluated: 2025-05-27. Review status: criteria provided, single submitter. Criteria: LabCorp Variant Classification Summary - May 2015. Collection method: clinical testing. Allele origin: germline.
Comment: Variant summary: PACS1 c.2413G>A (p.Ala805Thr) results in a non-conservative amino acid change in the encoded protein sequence. Algorithms developed to predict the effect of missense changes on protein structure and function are either unavailable or do not agree on the potential impact of this missense change. The variant allele was found at a frequency of 0.00011 in 249740 control chromosomes (gnomAD). c.2413G>A has been observed in at least an individual affected with PACS1-related conditions (Leung_2018). This report, however, does not provide unequivocal conclusions about association of the variant with Schuurs-Hoeijmakers Syndrome. To our knowledge, no experimental evidence demonstrating an impact on protein function has been reported. The following publication has been ascertained in the context of this evaluation (PMID: 30359267). ClinVar contains an entry for this variant (Variation ID: 1321822). Based on the evidence outlined above, the variant was classified as uncertain significance.

Blueprint Genetics
Classification: Likely benign. Last evaluated: 2024-10-14. Review status: criteria provided, single submitter. Criteria: ACMG Guidelines, 2015. Collection method: clinical testing. Allele origin: germline.

GeneDx
Classification: Likely benign. Last evaluated: 2021-05-10. Review status: criteria provided, single submitter. Criteria: GeneDx Variant Classification Process June 2021. Collection method: clinical testing. Allele origin: germline. Affected: yes.
Comment: This variant is associated with the following publications: (PMID: 33166031, 30359267)

Literature cited by the submitters: PubMed 30359267 (cited by Women's Health and Genetics/Laboratory Corporation of America, LabCorp).

NM_018026.4(PACS1):c.2413G>A (p.Ala805Thr)

Gene: PACS1 (phosphofurin acidic cluster sorting protein 1; plus strand). Cytogenetic location: 11q13.2.
Variant type: single nucleotide variant.
Coding change: c.2413G>A on transcript NM_018026.4 (MANE Select); coding-DNA position 2413, G replaced by A.
Protein change: p.Ala805Thr; replaces alanine 805 with threonine.
Molecular consequence: missense variant.
Genome position (GRCh38, 1-based): chr11:66,239,261, G>A. VCF-style: chr11-66239261-G-A. GRCh37 (hg19) VCF-style: chr11-66006732-G-A.
Other names: short protein forms A805T.
Identifiers: ClinVar variation 1321822 (VCV001321822.8), dbSNP rs184092629, ClinGen allele CA6116871.